The following is an entry in ClinVar:

ClinVar aggregate classification (germline): Uncertain significance. Review status: criteria provided, multiple submitters, no conflicts (2 of 4 stars). 2 submissions from 2 submitters: Uncertain significance (2). Last evaluated 2025-11-03.

Conditions:
Inborn genetic diseases. Identifiers: MedGen C0950123, MeSH D030342.

Allele frequency attached by ClinVar (database versions not stated): gnomAD exomes 0.00001; ExAC 0.00006; gnomAD 0.00013; TOPMed 0.00015; 1000 Genomes Project 30x 0.00078; 1000 Genomes Project 0.00080.
gnomAD v4.1: 34 of 1,614,072 alleles (0.0021%); highest among the groups gnomAD compares: African/African-American, 0.04%; no homozygotes.

Submissions (2):

Labcorp Genetics (formerly Invitae), Labcorp
Classification: Uncertain significance. Last evaluated: 2025-11-03. Review status: criteria provided, single submitter. Criteria: Invitae Variant Classification Sherloc (09022015). Collection method: clinical testing. Allele origin: germline.
Comment: This sequence change replaces cysteine, which is neutral and slightly polar, with arginine, which is basic and polar, at codon 254 of the HPS3 protein (p.Cys254Arg). This variant is present in population databases (rs545439652, gnomAD 0.03%). This variant has not been reported in the literature in individuals affected with HPS3-related conditions. ClinVar contains an entry for this variant (Variation ID: 2200206). Invitae Evidence Modeling of protein sequence and biophysical properties (such as structural, functional, and spatial information, amino acid conservation, physicochemical variation, residue mobility, and thermodynamic stability) indicates that this missense variant is expected to disrupt HPS3 protein function with a positive predictive value of 80%. In summary, the available evidence is currently insufficient to determine the role of this variant in disease. Therefore, it has been classified as a Variant of Uncertain Significance.

Ambry Genetics
Classification: Uncertain significance for Inborn genetic diseases. Last evaluated: 2025-08-05. Review status: criteria provided, single submitter. Criteria: Ambry Variant Classification Scheme 2023. Collection method: clinical testing. Allele origin: germline.

NM_032383.5(HPS3):c.760T>C (p.Cys254Arg)

Gene: HPS3 (HPS3 biogenesis of lysosomal organelles complex 2 subunit 1; plus strand). Cytogenetic location: 3q24.
Variant type: single nucleotide variant.
Coding change: c.760T>C on transcript NM_032383.5 (MANE Select); coding-DNA position 760, T replaced by C.
Protein change: p.Cys254Arg; replaces cysteine 254 with arginine.
Molecular consequence: missense variant.
Genome position (GRCh38, 1-based): chr3:149,141,064, T>C. VCF-style: chr3-149141064-T-C. GRCh37 (hg19) VCF-style: chr3-148858851-T-C.
Other names: c.265T>C, p.Cys89Arg (NM_001308258.2); c.760T>C (NM_032383.3); short protein forms C254R, C89R.
Identifiers: ClinVar variation 2200206 (VCV002200206.4), dbSNP rs545439652, ClinGen allele CA2659879.